The following is an entry in ClinVar:

ClinVar aggregate classification (germline): Likely benign (0 of 4 stars; one submission).

Conditions:
KSR2-related disorder. Also called: KSR2-related condition.

gnomAD v4.1: 6 of 1,613,528 alleles (0.00037%); highest among the groups gnomAD compares: Admixed American, 0.0033%; no homozygotes.

Submission:

PreventionGenetics, part of Exact Sciences
Classification: Likely benign for KSR2-related condition. Last evaluated: 2020-10-30. Review status: no assertion criteria provided. Collection method: clinical testing. Allele origin: germline.
Comment: This variant is classified as likely benign based on ACMG/AMP sequence variant interpretation guidelines (Richards et al. 2015 PMID: 25741868, with internal and published modifications).

NM_173598.6(KSR2):c.1428G>T (p.Pro476=)

Gene: KSR2 (kinase suppressor of ras 2; minus strand). Cytogenetic location: 12q24.22.
Variant type: single nucleotide variant.
Coding change: c.1428G>T on transcript NM_173598.6 (MANE Select); coding-DNA position 1428, G replaced by T.
Protein change: p.Pro476=; no amino-acid change (proline 476 retained).
Molecular consequence: synonymous variant.
Genome position (GRCh38, 1-based): chr12:117,555,259, C>A on the plus strand (G>T on the coding strand, the complement: KSR2 is on the minus strand). VCF-style: chr12-117555259-C-A. GRCh37 (hg19) VCF-style: chr12-117993064-C-A.
Identifiers: ClinVar variation 3048921 (VCV003048921.2), dbSNP rs7955803, ClinGen allele CA482038224.